The following is an entry in ClinVar:

ClinVar aggregate classification (germline): Likely pathogenic (1 of 4 stars; one submission).

Submission:

GeneDx
Classification: Likely pathogenic. Last evaluated: 2018-04-23. Review status: criteria provided, single submitter. Criteria: GeneDx Variant Classification (06012015). Collection method: clinical testing. Allele origin: germline. Affected: yes.
Comment: The c.991delC variant in the GJA1 gene has not been reported previously as a pathogenic variant nor as a benignvariant, to our knowledge. The c.991delC variant causes a frameshift starting with codon Histidine 331, changes thisamino acid to a Methionine residue, and creates a premature Stop codon at position 17 of the new reading frame,denoted p.His331MetfsX17. This variant is predicted to cause loss of normal protein function through proteintruncation, as the last 52 amino acids are lost and replaced with 16 incorrect amino acids. The c.991delC variant isnot observed at a significant frequency in large population cohorts (Lek et al., 2016). We interpret c.991delC as alikely pathogenic variant.

NM_000165.5(GJA1):c.991del (p.His331fs)

Gene: GJA1 (gap junction protein alpha 1; plus strand). Cytogenetic location: 6q22.31.
Variant type: Deletion.
Coding change: c.991del on transcript NM_000165.5 (MANE Select); coding-DNA position 991, one base deleted (C; older notation c.991delC).
Protein change: p.His331fs; shifts the reading frame from histidine 331.
Molecular consequence: frameshift variant.
Genome position (GRCh38, 1-based): chr6:121,447,838, C deleted; the last of 3 consecutive C bases (chr6:121,447,836-121,447,838); deleting any one gives the same sequence. VCF-style (leftmost placement, unchanged base first): chr6-121447835-TC-T. GRCh37 (hg19) VCF-style: chr6-121768981-TC-T.
Other names: short protein forms H331fs.
Identifiers: ClinVar variation 524088 (VCV000524088.2), dbSNP rs1554201088, ClinGen allele CA658796811.